The following is an entry in ClinVar:

ClinVar aggregate classification (germline): Uncertain significance. Review status: criteria provided, multiple submitters, no conflicts (2 of 4 stars). 2 submissions from 2 submitters: Uncertain significance (2). Last evaluated 2026-02-13.

Conditions:
Familial thoracic aortic aneurysm and aortic dissection (TAAD). Also called: Thoracic aortic aneurysms and dissections. Identifiers: Orphanet 91387, MedGen C4707243, MONDO:0019625.

Submissions (2):

Ambry Genetics
Classification: Uncertain significance for Familial thoracic aortic aneurysm and aortic dissection. Last evaluated: 2026-02-13. Review status: criteria provided, single submitter. Criteria: Ambry Variant Classification Scheme 2023. Collection method: clinical testing. Allele origin: germline.
Comment: The p.T1322A variant (also known as c.3964A>G), located in coding exon 22 of the FLNA gene, results from an A to G substitution at nucleotide position 3964. The threonine at codon 1322 is replaced by alanine, an amino acid with similar properties. This amino acid position is conserved. In addition, this alteration is predicted to be deleterious by in silico analysis. Based on the available evidence, the clinical significance of this variant remains unclear.

GeneDx
Classification: Uncertain significance. Last evaluated: 2019-05-16. Review status: criteria provided, single submitter. Criteria: GeneDx Variant Classification Process June 2021. Collection method: clinical testing. Allele origin: germline. Affected: yes.
Comment: Not observed in large population cohorts (Lek et al., 2016); In silico analysis, which includes protein predictors and evolutionary conservation, supports a deleterious effect; Has not been previously published as pathogenic or benign to our knowledge

NM_001110556.2(FLNA):c.3964A>G (p.Thr1322Ala)

Gene: FLNA (filamin A; minus strand). Cytogenetic location: Xq28.
Variant type: single nucleotide variant.
Coding change: c.3964A>G on transcript NM_001110556.2 (MANE Select); coding-DNA position 3964, A replaced by G.
Protein change: p.Thr1322Ala; replaces threonine 1322 with alanine.
Molecular consequence: missense variant.
Genome position (GRCh38, 1-based): chrX:154,359,747, T>C on the plus strand (A>G on the coding strand, the complement: FLNA is on the minus strand). VCF-style: chrX-154359747-T-C. GRCh37 (hg19) VCF-style: chrX-153588115-T-C.
Other names: c.3964A>G, p.Thr1322Ala (NM_001456.4); short protein forms T1322A.
Identifiers: ClinVar variation 1304276 (VCV001304276.3), dbSNP rs2148111669, ClinGen allele CA415221264.